The following is an entry in ClinVar:

ClinVar aggregate classification (germline): Likely pathogenic (1 of 4 stars; one submission).

Conditions:
Granulomatous disease, chronic, autosomal recessive, cytochrome b-positive, type 2. Also called: GRANULOMATOUS DISEASE, CHRONIC, DUE TO NCF2 DEFICIENCY; GRANULOMATOUS DISEASE, CHRONIC, AUTOSOMAL RECESSIVE, 2; CGD, AUTOSOMAL RECESSIVE CYTOCHROME b-POSITIVE, TYPE II; Chronic granulomatous disease due to deficiency of NCF-2; Chronic Granulomatous Disease, Autosomal Recessive, Cytochrome b-Positive, Type II. Identifiers: Orphanet 379, MedGen C1856245, MONDO:0009310, OMIM 233710.

Allele frequency attached by ClinVar (database versions not stated): gnomAD exomes below 0.00001; TOPMed below 0.00001; gnomAD 0.00001.
gnomAD v4.1: 2 of 1,613,408 alleles (0.00012%); highest among the groups gnomAD compares: Non-Finnish European, 0.00017%; no homozygotes.

Submission:

Labcorp Genetics (formerly Invitae), Labcorp
Classification: Likely pathogenic for Granulomatous disease, chronic, autosomal recessive, cytochrome b-positive, type 2. Last evaluated: 2023-12-06. Review status: criteria provided, single submitter. Criteria: Invitae Variant Classification Sherloc (09022015). Collection method: clinical testing. Allele origin: germline.
Comment: This sequence change affects a donor splice site in intron 5 of the NCF2 gene. It is expected to disrupt RNA splicing. Variants that disrupt the donor or acceptor splice site typically lead to a loss of protein function (PMID: 16199547), and loss-of-function variants in NCF2 are known to be pathogenic (PMID: 10498624, 20167518). This variant is not present in population databases (gnomAD no frequency). This variant has not been reported in the literature in individuals affected with NCF2-related conditions. Algorithms developed to predict the effect of sequence changes on RNA splicing suggest that this variant may disrupt the consensus splice site. In summary, the currently available evidence indicates that the variant is pathogenic, but additional data are needed to prove that conclusively. Therefore, this variant has been classified as Likely Pathogenic.

Literature cited by the submitters: PubMed 16199547; PubMed 10498624; PubMed 20167518.

NM_000433.4(NCF2):c.609+2T>C

Gene: NCF2 (neutrophil cytosolic factor 2; minus strand). Cytogenetic location: 1q25.3.
Variant type: single nucleotide variant.
Coding change: c.609+2T>C on transcript NM_000433.4 (MANE Select); the canonical splice donor site of the intron after coding-DNA position 609, T replaced by C.
Molecular consequence: splice donor variant. On other transcripts: intron variant (2).
Genome position (GRCh38, 1-based): chr1:183,573,183, A>G on the plus strand (T>C on the coding strand, the complement: NCF2 is on the minus strand). VCF-style: chr1-183573183-A-G. GRCh37 (hg19) VCF-style: chr1-183542318-A-G.
Other names: c.501+1304T>C (NM_001410895.1); c.609+2T>C (NM_001127651.3); c.367-2344T>C (NM_001190789.2); c.474+2T>C (NM_001190794.2).
Identifiers: ClinVar variation 2701299 (VCV002701299.3), dbSNP rs1672642650, ClinGen allele CA343675654.